The following is an entry in ClinVar:

ClinVar aggregate classification (germline): Uncertain significance. Review status: criteria provided, multiple submitters, no conflicts (2 of 4 stars). 2 submissions from 2 submitters: Uncertain significance (2). Last evaluated 2025-04-01.

Conditions:
Nance-Horan syndrome (NHS). Identifiers: Orphanet 627, MedGen C0796085, MONDO:0010545, OMIM 302350.

Submissions (2):

GeneDx
Classification: Uncertain significance. Last evaluated: 2025-04-01. Review status: criteria provided, single submitter. Criteria: GeneDx Variant Classification Process June 2021. Collection method: clinical testing. Allele origin: germline. Affected: yes.
Comment: Not observed at significant frequency in large population cohorts (gnomAD); In silico analysis indicates that this missense variant does not alter protein structure/function; Has not been previously published as pathogenic or benign to our knowledge

Labcorp Genetics (formerly Invitae), Labcorp
Classification: Uncertain significance for Nance-Horan syndrome. Last evaluated: 2023-12-13. Review status: criteria provided, single submitter. Criteria: Invitae Variant Classification Sherloc (09022015). Collection method: clinical testing. Allele origin: germline.
Comment: This sequence change replaces proline, which is neutral and non-polar, with histidine, which is basic and polar, at codon 1525 of the NHS protein (p.Pro1525His). This variant is not present in population databases (gnomAD no frequency). This variant has not been reported in the literature in individuals affected with NHS-related conditions. Advanced modeling of protein sequence and biophysical properties (such as structural, functional, and spatial information, amino acid conservation, physicochemical variation, residue mobility, and thermodynamic stability) performed at Invitae indicates that this missense variant is not expected to disrupt NHS protein function with a negative predictive value of 80%. In summary, the available evidence is currently insufficient to determine the role of this variant in disease. Therefore, it has been classified as a Variant of Uncertain Significance.

NM_001291867.2(NHS):c.4637C>A (p.Pro1546His)

Gene: NHS (NHS actin remodeling regulator; plus strand). Cytogenetic location: Xp22.13.
Variant type: single nucleotide variant.
Coding change: c.4637C>A on transcript NM_001291867.2 (MANE Select); coding-DNA position 4637, C replaced by A.
Protein change: p.Pro1546His; replaces proline 1546 with histidine.
Molecular consequence: missense variant.
Genome position (GRCh38, 1-based): chrX:17,732,145, C>A. VCF-style: chrX-17732145-C-A. GRCh37 (hg19) VCF-style: chrX-17750265-C-A.
Other names: c.4106C>A, p.Pro1369His (NM_001136024.4); c.4043C>A, p.Pro1348His (NM_001291868.2); c.4574C>A, p.Pro1525His (NM_198270.4); c.4574C>A (NM_198270.2); short protein forms P1348H, P1369H, P1546H, P1525H.
Identifiers: ClinVar variation 2702820 (VCV002702820.4), dbSNP rs2519949731, ClinGen allele CA412370946.